The following is an entry in ClinVar:

ClinVar aggregate classification (germline): Benign (0 of 4 stars; one submission).

Conditions:
KCNQ1-related disorder. Also called: KCNQ1-related condition; KCNQ1-related disorders. Identifiers: MedGen CN239322.

Allele frequency attached by ClinVar (database versions not stated): gnomAD exomes 0.56842; gnomAD 0.62339; TOPMed 0.63065; 1000 Genomes Project 30x 0.77077; 1000 Genomes Project 0.77496.
gnomAD v4.1: 234,692 of 398,146 alleles (59%); highest among the groups gnomAD compares: East Asian, 99%; 74,421 homozygotes.

Submission:

PreventionGenetics, part of Exact Sciences
Classification: Benign for KCNQ1-related condition. Last evaluated: 2019-09-22. Review status: no assertion criteria provided. Collection method: clinical testing. Allele origin: germline.
Comment: This variant is classified as benign based on ACMG/AMP sequence variant interpretation guidelines (Richards et al. 2015 PMID: 25741868, with internal and published modifications).

NM_000218.3(KCNQ1):c.1514+19202C>T

Genes: KCNQ1 (potassium voltage-gated channel subfamily Q member 1; plus strand), KCNQ1OT1 (KCNQ1 opposite strand/antisense transcript 1; minus strand). Cytogenetic location: 11p15.5.
Variant type: single nucleotide variant.
Coding change: c.1514+19202C>T on transcript NM_000218.3 (MANE Select); 19202 bases into the intron after coding-DNA position 1514, C replaced by T.
Molecular consequence: intron variant. On other transcripts: non-coding transcript variant (1).
Genome position (GRCh38, 1-based): chr11:2,681,283, C>T. VCF-style: chr11-2681283-C-T. GRCh37 (hg19) VCF-style: chr11-2702513-C-T.
Other names: c.1244+19202C>T (NM_001406837.1); c.1418+19202C>T (NM_001406836.1); c.974+19202C>T (NM_001406838.1); c.1133+19202C>T (NM_181798.2).
Identifiers: ClinVar variation 3060959 (VCV003060959.2), dbSNP rs231358, ClinGen allele CA13476371.